The following is an entry in ClinVar:

NM_003458.4(BSN):c.5995C>T (p.Gln1999Ter)

Gene: BSN (bassoon presynaptic cytomatrix protein; plus strand). Cytogenetic location: 3p21.31.
Variant type: single nucleotide variant.
Coding change: c.5995C>T on transcript NM_003458.4 (MANE Select); coding-DNA position 5995, C replaced by T.
Protein change: p.Gln1999Ter; replaces glutamine 1999 with a stop codon.
Molecular consequence: nonsense.
Genome position (GRCh38, 1-based): chr3:49,655,551, C>T. VCF-style: chr3-49655551-C-T. GRCh37 (hg19) VCF-style: chr3-49692984-C-T.
Other names: short protein forms Q1999*.
Identifiers: ClinVar variation 5009105 (VCV005009105.1).

ClinVar aggregate classification (germline): Uncertain significance (1 of 4 stars; one submission).

Submission:

GeneDx
Classification: Uncertain significance. Last evaluated: 2026-02-18. Review status: criteria provided, single submitter. Criteria: GeneDx Variant Classification Process June 2021. Collection method: clinical testing. Allele origin: germline.
Comment: Not observed at significant frequency in large population cohorts (gnomAD); Nonsense variant predicted to result in protein truncation or nonsense mediated decay in a gene or region of a gene for which loss of function is not a well-established mechanism of disease; Has not been previously published as pathogenic or benign to our knowledge